The following is an entry in ClinVar:

NM_001999.4(FBN2):c.629-9A>G

Gene: FBN2 (fibrillin 2; minus strand). Cytogenetic location: 5q23.3.
Variant type: single nucleotide variant.
Coding change: c.629-9A>G on transcript NM_001999.4 (MANE Select); 9 bases into the intron before coding-DNA position 629, A replaced by G.
Molecular consequence: intron variant.
Genome position (GRCh38, 1-based): chr5:128,464,930, T>C on the plus strand (A>G on the coding strand, the complement: FBN2 is on the minus strand). VCF-style: chr5-128464930-T-C. GRCh37 (hg19) VCF-style: chr5-127800623-T-C.
Other names: p.?.
Identifiers: ClinVar variation 129045 (VCV000129045.44), dbSNP rs56025995, ClinGen allele CA288829.

ClinVar aggregate classification (germline): Benign. Review status: criteria provided, multiple submitters, no conflicts (2 of 4 stars). 13 submissions from 12 submitters: Benign (12). 1 of the submissions does not count toward it. Last evaluated 2026-02-02.

Conditions:
Ehlers-Danlos syndrome (EDS). Identifiers: Orphanet 98249, MedGen C0013720, MONDO:0020066.
Congenital contractural arachnodactyly (CCA). Also called: Arthrogryposis, distal, type 9; Beals-Hecht syndrome; BEALS SYNDROME. Identifiers: Orphanet 115, MedGen C0220668, MONDO:0007363, OMIM 121050.
Connective tissue disorder. Also called: Connective tissue disease. Identifiers: MedGen C0009782, MONDO:0003900.

Allele frequency attached by ClinVar (database versions not stated): ESP Exome Variant Server 0.00054; gnomAD exomes 0.00496 and 0.02184; gnomAD 0.00616 and 0.00665; TOPMed 0.01390; 1000 Genomes Project 0.01458; 1000 Genomes Project 30x 0.01562; ExAC 0.01673.
gnomAD v4.1: 8,210 of 1,613,962 alleles (0.51%); highest among the groups gnomAD compares: Admixed American, 12%; 619 homozygotes.

Submissions (13):

Labcorp Genetics (formerly Invitae), Labcorp
Classification: Benign for Congenital contractural arachnodactyly. Last evaluated: 2026-02-02. Review status: criteria provided, single submitter. Criteria: Invitae Variant Classification Sherloc (09022015). Collection method: clinical testing. Allele origin: germline.

ARUP Laboratories, Molecular Genetics and Genomics, ARUP Laboratories
Classification: Benign. Last evaluated: 2025-07-02. Review status: criteria provided, single submitter. Criteria: ARUP Molecular Germline Variant Investigation Process 2024. Collection method: clinical testing. Allele origin: germline.

Blueprint Genetics
Classification: Benign. Last evaluated: 2024-11-26. Review status: criteria provided, single submitter. Criteria: ACMG Guidelines, 2015. Collection method: clinical testing. Allele origin: germline.

Women's Health and Genetics/Laboratory Corporation of America, LabCorp
Classification: Benign. Last evaluated: 2023-12-27. Review status: criteria provided, single submitter. Criteria: LabCorp Variant Classification Summary - May 2015. Collection method: clinical testing. Allele origin: germline.
Comment: Variant summary: FBN2 c.629-9A>G alters a non-conserved nucleotide located at a position not widely known to affect splicing. Consensus agreement among computation tools predict no significant impact on normal splicing. However, these predictions have yet to be confirmed by functional studies. The variant allele was found at a frequency of 0.022 in 251412 control chromosomes, predominantly at a frequency of 0.15 within the Latino subpopulation in the gnomAD database, including 481 homozygotes. The observed variant frequency within Latino control individuals in the gnomAD database is approximately 120,000-fold of the estimated maximal expected allele frequency for a pathogenic variant in FBN2 causing Aortopathy phenotype (1.3e-06), strongly suggesting that the variant is a benign polymorphism found primarily in populations of Latino origin. To our knowledge, no occurrence of c.629-9A>G in individuals affected with Aortopathy and no experimental evidence demonstrating its impact on protein function have been reported. Five submitters have cited clinical-significance assessments for this variant to ClinVar after 2014. All submitters classified the variant as benign. Based on the evidence outlined above, the variant was classified as benign.

Mayo Clinic Laboratories, Mayo Clinic
Classification: Benign. Last evaluated: 2023-02-09. Review status: criteria provided, single submitter. Criteria: ACMG Guidelines, 2015. Collection method: clinical testing. Allele origin: germline. Observed: 32 variant alleles.
Comment: BA1

Genome Diagnostics Laboratory, The Hospital for Sick Children
Classification: Benign for Ehlers-Danlos syndrome. Last evaluated: 2022-07-22. Review status: criteria provided, single submitter. Criteria: ACMG Guidelines, 2015. Collection method: clinical testing. Allele origin: germline.

Genome Diagnostics Laboratory, The Hospital for Sick Children
Classification: Benign for Connective tissue disorder. Last evaluated: 2020-07-01. Review status: criteria provided, single submitter. Criteria: ACMG Guidelines, 2015. Collection method: clinical testing. Allele origin: germline.

Illumina Laboratory Services, Illumina
Classification: Benign for Congenital contractural arachnodactyly. Last evaluated: 2018-01-12. Review status: criteria provided, single submitter. Criteria: ICSL Variant Classification Criteria 13 December 2019. Collection method: clinical testing. Allele origin: germline.
Comment: This variant was observed in the ICSL laboratory as part of a predisposition screen in an ostensibly healthy population. It had not been previously curated by ICSL or reported in the Human Gene Mutation Database (HGMD: prior to June 1st, 2018), and was therefore a candidate for classification through an automated scoring system. Utilizing variant allele frequency, disease prevalence and penetrance estimates, and inheritance mode, an automated score was calculated to assess if this variant is too frequent to cause the disease. Based on the score and internal cut-off values, a variant classified as benign is not then subjected to further curation. The score for this variant resulted in a classification of benign for this disease.

Eurofins Ntd Llc (ga)
Classification: Benign. Last evaluated: 2014-08-15. Review status: criteria provided, single submitter. Criteria: EGL Classification Definitions 2015. Collection method: clinical testing. Allele origin: germline. Observed: 1 variant allele, 1 heterozygote.

GeneDx
Classification: Benign. Last evaluated: 2013-04-09. Review status: criteria provided, single submitter. Criteria: GeneDx Variant Classification (06012015). Collection method: clinical testing. Allele origin: germline. Affected: yes.
Comment: This variant is considered likely benign or benign based on one or more of the following criteria: it is a conservative change, it occurs at a poorly conserved position in the protein, it is predicted to be benign by multiple in silico algorithms, and/or has population frequency not consistent with disease.

Laboratory for Molecular Medicine, Mass General Brigham Personalized Medicine
Classification: Benign. Last evaluated: 2013-04-04. Review status: criteria provided, single submitter. Criteria: LMM Criteria. Collection method: clinical testing. Allele origin: germline. Observed: 1 variant allele.
Comment: 629-9A>G in intron 5 of FBN2: This variant is not expected to have clinical sign ificance because it has been identified in 13.6% (18/132) of Mexican chromosomes from a broad population by the 1000 Genomes Project (v/projects/SNP; dbSNP rs56025995).

PreventionGenetics, part of Exact Sciences
Classification: Benign. Review status: criteria provided, single submitter. Criteria: ACMG Guidelines, 2015. Collection method: clinical testing. Allele origin: germline.

Genetic Services Laboratory, University of Chicago
Classification: Likely benign for AllHighlyPenetrant. Review status: no assertion criteria provided. Collection method: clinical testing. Allele origin: germline. Inheritance: Autosomal dominant inheritance. Not counted in ClinVar's aggregate classification.
Comment: Likely benign based on allele frequency in 1000 Genomes Project or ESP global frequency and its presence in a patient with a rare or unrelated disease phenotype. NOT Sanger confirmed.